The following is an entry in ClinVar:

NM_033100.4(CDHR1):c.55+6T>C

Gene: CDHR1 (cadherin related family member 1; plus strand). Cytogenetic location: 10q23.1.
Variant type: single nucleotide variant.
Coding change: c.55+6T>C on transcript NM_033100.4 (MANE Select); 6 bases into the intron after coding-DNA position 55, T replaced by C.
Molecular consequence: intron variant.
Genome position (GRCh38, 1-based): chr10:84,194,821, T>C. VCF-style: chr10-84194821-T-C. GRCh37 (hg19) VCF-style: chr10-85954577-T-C.
Other names: c.55+6T>C (NM_001171971.3).
Identifiers: ClinVar variation 1360921 (VCV001360921.6), dbSNP rs925189073, ClinGen allele CA210376406.

ClinVar aggregate classification (germline): Uncertain significance (1 of 4 stars; one submission).

Allele frequency attached by ClinVar (database versions not stated): TOPMed 0.00002; gnomAD 0.00003.

Submission:

Labcorp Genetics (formerly Invitae), Labcorp
Classification: Uncertain significance. Last evaluated: 2022-08-31. Review status: criteria provided, single submitter. Criteria: Invitae Variant Classification Sherloc (09022015). Collection method: clinical testing. Allele origin: germline.
Comment: Variants that disrupt the consensus splice site are a relatively common cause of aberrant splicing (PMID: 17576681, 9536098). Algorithms developed to predict the effect of sequence changes on RNA splicing suggest that this variant may create or strengthen a splice site. In summary, the available evidence is currently insufficient to determine the role of this variant in disease. Therefore, it has been classified as a Variant of Uncertain Significance. ClinVar contains an entry for this variant (Variation ID: 1360921). This variant has not been reported in the literature in individuals affected with CDHR1-related conditions. This variant is present in population databases (no rsID available, gnomAD 0.02%). This sequence change falls in intron 1 of the CDHR1 gene. It does not directly change the encoded amino acid sequence of the CDHR1 protein. It affects a nucleotide within the consensus splice site.

Literature cited by the submitters: PubMed 17576681; PubMed 9536098.